The following is an entry in ClinVar:

NM_002878.4(RAD51D):c.740_741dup (p.Thr248Ter)

Genes: RAD51D (RAD51 paralog D; minus strand), RAD51L3-RFFL (RAD51L3-RFFL readthrough; minus strand). Cytogenetic location: 17q12.
Variant type: Duplication.
Coding change: c.740_741dup on transcript NM_002878.4 (MANE Select); coding-DNA positions 740 to 741, 2 bases duplicated (TG; older notation c.740_741dupTG).
Protein change: p.Thr248Ter; replaces threonine 248 with a stop codon.
Molecular consequence: nonsense. On other transcripts: non-coding transcript variant (3).
Genome position (GRCh38, 1-based): chr17:35,101,363-35,101,364, CA duplicated on the plus strand (TG on the coding strand, the reverse complement: RAD51D is on the minus strand); duplicating any 2 consecutive bases within chr17:35,101,363-35,101,365 gives the same sequence; the c. name uses the placement nearest the transcript's 3' end. VCF-style (leftmost placement, unchanged base first): chr17-35101362-T-TCA. GRCh37 (hg19) VCF-style: chr17-33428381-T-TCA.
Other names: c.800_801dup, p.Thr268Ter (NM_001142571.2); c.404_405dup, p.Thr136Ter (NM_133629.3); c.740_741dupTG (NM_002878.3); short protein forms T248*, T268*, T136*.
Identifiers: ClinVar variation 548817 (VCV000548817.5), dbSNP rs1555567197, ClinGen allele CA658823902.

ClinVar aggregate classification (germline): Pathogenic. Review status: criteria provided, multiple submitters, no conflicts (2 of 4 stars). 3 submissions from 3 submitters: Pathogenic (2). 1 of the submissions does not count toward it. Last evaluated 2023-12-04.

Conditions:
Hereditary cancer-predisposing syndrome. Also called: Hereditary Cancer Syndrome; Hereditary neoplastic syndrome; Tumor predisposition; Neoplastic Syndromes, Hereditary. Identifiers: Orphanet 140162, MedGen C0027672, MeSH D009386, MONDO:0015356.
Breast-ovarian cancer, familial, susceptibility to, 4. Identifiers: Orphanet 145, MedGen C3280345, MONDO:0013669, OMIM 614291.

Submissions (3):

Ambry Genetics
Classification: Pathogenic for Hereditary cancer-predisposing syndrome. Last evaluated: 2023-12-04. Review status: criteria provided, single submitter. Criteria: Ambry Variant Classification Scheme 2023. Collection method: clinical testing. Allele origin: germline.
Comment: The c.740_741dupTG pathogenic mutation, located in coding exon 9 of the RAD51D gene, results from a duplication of TG at nucleotide position 740, causing a translational frameshift with a predicted alternate stop codon (p.T248*). This variant has been identified in an individual diagnosed with an ovarian cancer of endometrioid histology (Song H et al. J. Clin. Oncol., 2015 Sep;33:2901-7). In addition to the clinical data presented in the literature, this alteration is expected to result in loss of function by premature protein truncation or nonsense-mediated mRNA decay. As such, this alteration is interpreted as a disease-causing mutation.

Myriad Genetics, Inc.
Classification: Pathogenic for Breast-ovarian cancer, familial, susceptibility to, 4. Last evaluated: 2023-04-06. Review status: criteria provided, single submitter. Criteria: Myriad Autosomal Dominant, Autosomal Recessive and X-Linked Classification Criteria (2023). Collection method: clinical testing. Allele origin: unknown.
Comment: This variant is considered pathogenic. This variant creates a termination codon and is predicted to result in premature protein truncation.

Counsyl
Classification: Likely pathogenic for Breast-ovarian cancer, familial, susceptibility to, 4. Last evaluated: 2017-12-12. Review status: no assertion criteria provided. Collection method: clinical testing. Allele origin: unknown. Not counted in ClinVar's aggregate classification.

Literature cited by the submitters: PubMed 26261251 (cited by Ambry Genetics and Counsyl).